The following is an entry in ClinVar:

ClinVar aggregate classification (germline): Uncertain significance. Review status: criteria provided, single submitter (1 of 4 stars). 2 submissions from 2 submitters: Uncertain significance (1). 1 of the submissions does not count toward it. Last evaluated 2021-08-26.

Conditions:
Nemaline myopathy 2 (NEM2). Also called: Nemaline myopathy 2, autosomal recessive. Identifiers: MedGen C1850569, MONDO:0009725, OMIM 256030.

Allele frequency attached by ClinVar (database versions not stated): gnomAD 0.00001; gnomAD exomes 0.00001; TOPMed 0.00001.
gnomAD v4.1: 14 of 1,613,906 alleles (0.00087%); highest among the groups gnomAD compares: Admixed American, 0.0017%; no homozygotes.

Submissions (2):

Labcorp Genetics (formerly Invitae), Labcorp
Classification: Uncertain significance for Nemaline myopathy 2. Last evaluated: 2021-08-26. Review status: criteria provided, single submitter. Criteria: Invitae Variant Classification Sherloc (09022015). Collection method: clinical testing. Allele origin: germline.
Comment: This sequence change replaces tyrosine with cysteine at codon 1370 of the NEB protein (p.Tyr1370Cys). The tyrosine residue is moderately conserved and there is a large physicochemical difference between tyrosine and cysteine. This variant is not present in population databases (ExAC no frequency). This variant has not been reported in the literature in individuals affected with NEB-related conditions. Algorithms developed to predict the effect of missense changes on protein structure and function are either unavailable or do not agree on the potential impact of this missense change (SIFT: "Deleterious"; PolyPhen-2: "Not Available"; Align-GVGD: "Class C0"). In summary, the available evidence is currently insufficient to determine the role of this variant in disease. Therefore, it has been classified as a Variant of Uncertain Significance.

Natera, Inc.
Classification: Uncertain significance for Nemaline myopathy type 2. Last evaluated: 2020-11-03. Review status: no assertion criteria provided. Collection method: clinical testing. Allele origin: germline. Not counted in ClinVar's aggregate classification.

NM_001164508.2(NEB):c.4109A>G (p.Tyr1370Cys)

Gene: NEB (nebulin; minus strand). Cytogenetic location: 2q23.3.
Variant type: single nucleotide variant.
Coding change: c.4109A>G on transcript NM_001164508.2 (MANE Select); coding-DNA position 4109, A replaced by G.
Protein change: p.Tyr1370Cys; replaces tyrosine 1370 with cysteine.
Molecular consequence: missense variant.
Genome position (GRCh38, 1-based): chr2:151,672,559, T>C on the plus strand (A>G on the coding strand, the complement: NEB is on the minus strand). VCF-style: chr2-151672559-T-C. GRCh37 (hg19) VCF-style: chr2-152529073-T-C.
Other names: c.4109A>G, p.Tyr1370Cys (NM_001164507.2, NM_001271208.2, NM_004543.5); short protein forms Y1370C.
Identifiers: ClinVar variation 533965 (VCV000533965.12), dbSNP rs1230970164, ClinGen allele CA348816782.
Genomic context (GRCh38, chr2:151,672,559, plus strand): 5'-ATGCTAACCATGTCCCCAGGGGTATGGTAGCTGGTTTTGGTGTTCTCATAGTTCTTCTTG[T>C]ATTCACGATCAGACTGCAGCTTTGCCACATTCATATAGTGGACCAGCTTGGGATCATCCT-3'
Protein context (NP_001157980.2, residues 1360-1380): NVAKLQSDRE[Tyr1370Cys]KKNYENTKTS